The following is an entry in ClinVar:

ClinVar aggregate classification (germline): Uncertain significance. Review status: criteria provided, multiple submitters, no conflicts (2 of 4 stars). 2 submissions from 2 submitters: Uncertain significance (2). Last evaluated 2026-01-11.

Conditions:
Inborn genetic diseases. Identifiers: MedGen C0950123, MeSH D030342.
Pulmonary fibrosis and/or bone marrow failure, Telomere-related, 3. Also called: PULMONARY FIBROSIS AND/OR BONE MARROW FAILURE SYNDROME, TELOMERE-RELATED, 3. Identifiers: Orphanet 2032, MedGen C4225346, MONDO:0014613, OMIM 616373.
Dyskeratosis congenita, autosomal recessive 5 (DKCB5). Identifiers: MedGen C3554656, MONDO:0014076, OMIM 615190.

Allele frequency attached by ClinVar (database versions not stated): gnomAD exomes below 0.00001.
gnomAD v4.1: 2 of 1,614,064 alleles (0.00012%); highest among the groups gnomAD compares: Non-Finnish European, 0.000085%; no homozygotes.

Submissions (2):

Labcorp Genetics (formerly Invitae), Labcorp
Classification: Uncertain significance for Dyskeratosis congenita, autosomal recessive 5; Pulmonary fibrosis and/or bone marrow failure, Telomere-related, 3. Last evaluated: 2026-01-11. Review status: criteria provided, single submitter. Criteria: Invitae Variant Classification Sherloc (09022015). Collection method: clinical testing. Allele origin: germline.
Comment: This sequence change replaces alanine, which is neutral and non-polar, with valine, which is neutral and non-polar, at codon 112 of the RTEL1 protein (p.Ala112Val). This variant is not present in population databases (gnomAD no frequency). This variant has not been reported in the literature in individuals affected with RTEL1-related conditions. ClinVar contains an entry for this variant (Variation ID: 2173009). An algorithm developed to predict the effect of missense changes on protein structure and function (PolyPhen-2) suggests that this variant is likely to be disruptive. In summary, the available evidence is currently insufficient to determine the role of this variant in disease. Therefore, it has been classified as a Variant of Uncertain Significance.

Ambry Genetics
Classification: Uncertain significance for Inborn genetic diseases. Last evaluated: 2024-12-16. Review status: criteria provided, single submitter. Criteria: Ambry Variant Classification Scheme 2023. Collection method: clinical testing. Allele origin: germline.
Comment: The p.A112V variant (also known as c.335C>T), located in coding exon 3 of the RTEL1 gene, results from a C to T substitution at nucleotide position 335. The alanine at codon 112 is replaced by valine, an amino acid with similar properties. This amino acid position is conserved. In addition, the in silico prediction for this alteration is inconclusive. Based on the available evidence, the clinical significance of this variant remains unclear.

NM_001283009.2(RTEL1):c.335C>T (p.Ala112Val)

Genes: RTEL1 (regulator of telomere elongation helicase 1; plus strand), RTEL1-TNFRSF6B (RTEL1-TNFRSF6B readthrough (NMD candidate); plus strand). Cytogenetic location: 20q13.33.
Variant type: single nucleotide variant.
Coding change: c.335C>T on transcript NM_001283009.2 (MANE Select); coding-DNA position 335, C replaced by T.
Protein change: p.Ala112Val; replaces alanine 112 with valine.
Molecular consequence: missense variant. On other transcripts: non-coding transcript variant (1), 5 prime UTR variant (1).
Genome position (GRCh38, 1-based): chr20:63,661,883, C>T. VCF-style: chr20-63661883-C-T. GRCh37 (hg19) VCF-style: chr20-62293236-C-T.
Other names: c.-335C>T (NM_001283010.1); c.335C>T, p.Ala112Val (NM_016434.4, NM_032957.5); short protein forms A112V.
Identifiers: ClinVar variation 2173009 (VCV002173009.3), dbSNP rs2516994447, ClinGen allele CA409668642.